The following is an entry in ClinVar:

NM_004211.5(SLC6A5):c.179A>C (p.Gln60Pro)

Gene: SLC6A5 (solute carrier family 6 member 5; plus strand). Cytogenetic location: 11p15.1.
Variant type: single nucleotide variant.
Coding change: c.179A>C on transcript NM_004211.5 (MANE Select); coding-DNA position 179, A replaced by C.
Protein change: p.Gln60Pro; replaces glutamine 60 with proline.
Molecular consequence: missense variant. On other transcripts: 5 prime UTR variant (1).
Genome position (GRCh38, 1-based): chr11:20,601,304, A>C. VCF-style: chr11-20601304-A-C. GRCh37 (hg19) VCF-style: chr11-20622850-A-C.
Other names: c.-385A>C (NM_001318369.2); short protein forms Q60P.
Identifiers: ClinVar variation 1508865 (VCV001508865.6), dbSNP rs914173347, ClinGen allele CA379911205.

ClinVar aggregate classification (germline): Uncertain significance (1 of 4 stars; one submission).

Conditions:
Hyperekplexia 3 (HKPX3). Also called: HYPEREKPLEXIA 3, AUTOSOMAL RECESSIVE; HYPEREKPLEXIA 3, AUTOSOMAL DOMINANT. Identifiers: Orphanet 3197, MedGen C3553288, MONDO:0013827, OMIM 614618.

gnomAD v4.1: 1 of 1,592,100 alleles (0.000063%); no homozygotes.

Submission:

Labcorp Genetics (formerly Invitae), Labcorp
Classification: Uncertain significance for Hyperekplexia 3. Last evaluated: 2021-02-10. Review status: criteria provided, single submitter. Criteria: Invitae Variant Classification Sherloc (09022015). Collection method: clinical testing. Allele origin: germline.
Comment: In summary, the available evidence is currently insufficient to determine the role of this variant in disease. Therefore, it has been classified as a Variant of Uncertain Significance. Advanced modeling of protein sequence and biophysical properties (such as structural, functional, and spatial information, amino acid conservation, physicochemical variation, residue mobility, and thermodynamic stability) performed at Invitae indicates that this missense variant is not expected to disrupt SLC6A5 protein function. This variant has not been reported in the literature in individuals with SLC6A5-related conditions. This variant is not present in population databases (ExAC no frequency). This sequence change replaces glutamine with proline at codon 60 of the SLC6A5 protein (p.Gln60Pro). The glutamine residue is moderately conserved and there is a moderate physicochemical difference between glutamine and proline.